The following is an entry in ClinVar:

NM_173628.4(DNAH17):c.6337C>T (p.Gln2113Ter)

Genes: DNAH17 (dynein axonemal heavy chain 17; minus strand), DNAH17-AS1 (DNAH17 antisense RNA 1; plus strand), LOC126862653 (BRD4-independent group 4 enhancer GRCh37_chr17:76489132-76490331; plus strand). Cytogenetic location: 17q25.3.
Variant type: single nucleotide variant.
Coding change: c.6337C>T on transcript NM_173628.4 (MANE Select); coding-DNA position 6337, C replaced by T.
Protein change: p.Gln2113Ter; replaces glutamine 2113 with a stop codon.
Molecular consequence: nonsense. On other transcripts: non-coding transcript variant (1).
Genome position (GRCh38, 1-based): chr17:78,494,107, G>A on the plus strand (C>T on the coding strand, the complement: DNAH17 is on the minus strand). VCF-style: chr17-78494107-G-A. GRCh37 (hg19) VCF-style: chr17-76490189-G-A.
Other names: short protein forms Q2113*.
Identifiers: ClinVar variation 5020020 (VCV005020020.2).
Genomic context (GRCh38, chr17:78,494,107, plus strand): 5'-CGCTGCCCGCATTCCCGACGATGAACACGGAGTGGCGGACCTGCAGCAGCTCCTCCAGCT[G>A]CACCACCTTCAGCACGAAGCTGTCCTCCGCCTGCAGCTTGAGCTCCACGATGCTCTGCTT-3'

ClinVar aggregate classification (germline): Likely pathogenic (1 of 4 stars; one submission).

Conditions:
Spermatogenic failure 39. Identifiers: MedGen C5231438, MONDO:0032845, OMIM 618643.

gnomAD v4.1: 1 of 1,612,834 alleles (0.000062%); highest among the groups gnomAD compares: Middle Eastern, 0.016%; no homozygotes.

Submission:

Juno Genomics, Hangzhou Juno Genomics, Inc
Classification: Likely pathogenic for Spermatogenic failure 39. Review status: criteria provided, single submitter. Criteria: ACMG Guidelines, 2015. Collection method: clinical testing. Allele origin: germline.
Comment: Absent from controls (or at extremely low frequency if recessive) in Genome Aggregation Database.;Null variant in a gene where loss of function (LOF) is a known mechanism of disease.